The following is an entry in ClinVar:

ClinVar aggregate classification (germline): Uncertain significance (1 of 4 stars; one submission).

Submission:

Dasa
Classification: Uncertain significance. Last evaluated: 2025-01-20. Review status: criteria provided, single submitter. Criteria: DASA Assertion Criteria. Collection method: clinical testing. Allele origin: germline.
Comment: NM_025099.6(CTC1):c.3376G>C (p.Ala1126Pro) is a missense variant that results in the substitution of alanine with proline. This variant is absent from population databases. Computational prediction algorithms are consistent with a benign effect. The currently available literature and clinical evidence are not sufficient to establish a definitive association between this variant and the reported condition. Therefore, this variant is classified as a variant of uncertain significance.

NM_025099.6(CTC1):c.3376G>C (p.Ala1126Pro)

Gene: CTC1 (CST telomere replication complex component 1; minus strand). Cytogenetic location: 17p13.1.
Variant type: single nucleotide variant.
Coding change: c.3376G>C on transcript NM_025099.6 (MANE Select); coding-DNA position 3376, G replaced by C.
Protein change: p.Ala1126Pro; replaces alanine 1126 with proline.
Molecular consequence: missense variant. On other transcripts: non-coding transcript variant (1), intron variant (1).
Genome position (GRCh38, 1-based): chr17:8,228,738, C>G on the plus strand (G>C on the coding strand, the complement: CTC1 is on the minus strand). VCF-style: chr17-8228738-C-G. GRCh37 (hg19) VCF-style: chr17-8132056-C-G.
Other names: c.3157-109G>C (NM_001411067.1); short protein forms A1126P.
Identifiers: ClinVar variation 4883322 (VCV004883322.2).